The following is an entry in ClinVar:

NM_001164508.2(NEB):c.9917C>T (p.Ser3306Phe)

Gene: NEB (nebulin; minus strand). Cytogenetic location: 2q23.3.
Variant type: single nucleotide variant.
Coding change: c.9917C>T on transcript NM_001164508.2 (MANE Select); coding-DNA position 9917, C replaced by T.
Protein change: p.Ser3306Phe; replaces serine 3306 with phenylalanine.
Molecular consequence: missense variant.
Genome position (GRCh38, 1-based): chr2:151,627,749, G>A on the plus strand (C>T on the coding strand, the complement: NEB is on the minus strand). VCF-style: chr2-151627749-G-A. GRCh37 (hg19) VCF-style: chr2-152484263-G-A.
Other names: c.9917C>T, p.Ser3306Phe (NM_001164507.2, NM_001271208.2); c.9188C>T, p.Ser3063Phe (NM_004543.5); short protein forms S3063F, S3306F.
Identifiers: ClinVar variation 1428828 (VCV001428828.8), dbSNP rs2154061189, ClinGen allele CA348795943.

ClinVar aggregate classification (germline): Uncertain significance (1 of 4 stars; one submission).

Conditions:
Nemaline myopathy 2 (NEM2). Also called: Nemaline myopathy 2, autosomal recessive. Identifiers: MedGen C1850569, MONDO:0009725, OMIM 256030.

Submission:

Labcorp Genetics (formerly Invitae), Labcorp
Classification: Uncertain significance for Nemaline myopathy 2. Last evaluated: 2021-03-23. Review status: criteria provided, single submitter. Criteria: Invitae Variant Classification Sherloc (09022015). Collection method: clinical testing. Allele origin: germline.
Comment: This sequence change replaces serine with phenylalanine at codon 3306 of the NEB protein (p.Ser3306Phe). The serine residue is moderately conserved and there is a large physicochemical difference between serine and phenylalanine. In summary, the available evidence is currently insufficient to determine the role of this variant in disease. Therefore, it has been classified as a Variant of Uncertain Significance. Algorithms developed to predict the effect of missense changes on protein structure and function are either unavailable or do not agree on the potential impact of this missense change (SIFT: "Deleterious"; PolyPhen-2: "Not Available"; Align-GVGD: "Class C0"). This variant has not been reported in the literature in individuals with NEB-related conditions. This variant is not present in population databases (ExAC no frequency).